The following is an entry in ClinVar:

NM_000062.3(SERPING1):c.-23+30G>A

Gene: SERPING1 (serpin family G member 1; plus strand). Cytogenetic location: 11q12.1.
Variant type: single nucleotide variant.
Coding change: c.-23+30G>A on transcript NM_000062.3 (MANE Select); 30 bases into the intron after 23 bases upstream of the start codon, G replaced by A.
Molecular consequence: intron variant.
Genome position (GRCh38, 1-based): chr11:57,597,752, G>A. VCF-style: chr11-57597752-G-A. GRCh37 (hg19) VCF-style: chr11-57365225-G-A.
Identifiers: ClinVar variation 3253589 (VCV003253589.1), dbSNP rs2495418861.
Genomic context (GRCh38, chr11:57,597,752, plus strand): 5'-ACTGGAGCTGCCTGGTGACCAGAAGTTTGGAGTAGGTTTGGTGCTGGGCAGGGGTGGGGA[G>A]TAGGGTGGAAAGCATGGAGTGAAGAGGTCTAGGGAGGGGGTCTCCTCACCCCCGCCTTCC-3'

ClinVar aggregate classification (germline): Likely benign (1 of 4 stars; one submission).

Conditions:
Hereditary angioedema type 1 (HAE1). Identifiers: Orphanet 100050, Orphanet 100051, Orphanet 91378, MedGen C2717906, MONDO:0015053, OMIM 106100.

Submission:

DNA-diagnostics Laboratory, Research Centre For Medical Genetics
Classification: Likely benign for Hereditary angioedema type 1. Last evaluated: 2024-07-14. Review status: criteria provided, single submitter. Criteria: ACMG Guidelines, 2015. Collection method: research. Allele origin: germline. Affected: yes. Observed: 1 heterozygote.